The following is an entry in ClinVar:

ClinVar aggregate classification (germline): Conflicting classifications of pathogenicity. Review status: criteria provided, conflicting classifications (1 of 4 stars). 9 submissions from 9 submitters: Uncertain significance (7); Likely benign (1). 1 of the submissions does not count toward it. Last evaluated 2025-12-29.

Conditions:
Hereditary nonpolyposis colorectal neoplasms. Identifiers: MedGen C0009405, MeSH D003123.
Hereditary cancer-predisposing syndrome. Also called: Hereditary Cancer Syndrome; Hereditary neoplastic syndrome; Tumor predisposition; Neoplastic Syndromes, Hereditary. Identifiers: Orphanet 140162, MedGen C0027672, MeSH D009386, MONDO:0015356.
Lynch syndrome. Identifiers: Orphanet 144, MedGen C4552100, MONDO:0005835. Disease mechanism: loss of function.
Lynch syndrome 5 (LYNCH5). Also called: Colorectal cancer, hereditary nonpolyposis, type 5; Hereditary non-polyposis colorectal cancer, type 5. Identifiers: Orphanet 144, MedGen C1833477, MONDO:0013710, OMIM 614350. Disease mechanism: loss of function.

Allele frequency attached by ClinVar (database versions not stated): TOPMed below 0.00001; gnomAD exomes 0.00001.
gnomAD v4.1: 6 of 1,573,530 alleles (0.00038%); highest among the groups gnomAD compares: Non-Finnish European, 0.00043%; no homozygotes.

Submissions (9):

Labcorp Genetics (formerly Invitae), Labcorp
Classification: Likely benign for Hereditary nonpolyposis colorectal neoplasms. Last evaluated: 2025-12-29. Review status: criteria provided, single submitter. Criteria: Invitae Variant Classification Sherloc (09022015). Collection method: clinical testing. Allele origin: germline.

Ambry Genetics
Classification: Uncertain significance for Hereditary cancer-predisposing syndrome. Last evaluated: 2025-01-08. Review status: criteria provided, single submitter. Criteria: Ambry Variant Classification Scheme 2023. Collection method: clinical testing. Allele origin: germline.
Comment: The p.T987I variant (also known as c.2960C>T), located in coding exon 4 of the MSH6 gene, results from a C to T substitution at nucleotide position 2960. The threonine at codon 987 is replaced by isoleucine, an amino acid with similar properties. This amino acid position is not well conserved in available vertebrate species. In addition, this alteration is predicted to be tolerated by in silico analysis. Based on the available evidence, the clinical significance of this variant remains unclear.

All of Us Research Program, National Institutes of Health
Classification: Uncertain significance for Lynch syndrome. Last evaluated: 2024-06-11. Review status: criteria provided, single submitter. Criteria: ACMG Guidelines, 2015. Collection method: clinical testing. Allele origin: germline. Inheritance: Autosomal dominant inheritance. Observed: 5 variant alleles, 5 heterozygotes.
Comment: This missense variant replaces threonine with isoleucine at codon 987 of the MSH6 protein. Computational prediction suggests that this variant may not impact protein structure and function (internally defined REVEL score threshold <= 0.5, PMID: 27666373). To our knowledge, functional studies have not been reported for this variant. This variant has not been reported in individuals affected with MSH6-related disorders in the literature. This variant has been identified in 3/219030 chromosomes in the general population by the Genome Aggregation Database (gnomAD). The available evidence is insufficient to determine the role of this variant in disease conclusively. Therefore, this variant is classified as a Variant of Uncertain Significance.

This study involves interpretation of variants in research participants for the purpose of population health screening. Participant phenotype was not available at the time of variant classification. Additional details can be found in publication PMID: 35346344, PMCID: PMC8962531

Color Diagnostics, LLC DBA Color Health
Classification: Uncertain significance for Hereditary cancer-predisposing syndrome. Last evaluated: 2024-03-06. Review status: criteria provided, single submitter. Criteria: ACMG Guidelines, 2015. Collection method: clinical testing. Allele origin: germline.
Comment: This missense variant replaces threonine with isoleucine at codon 987 of the MSH6 protein. Computational prediction suggests that this variant may not impact protein structure and function (internally defined REVEL score threshold <= 0.5, PMID: 27666373). To our knowledge, functional studies have not been reported for this variant. This variant has not been reported in individuals affected with MSH6-related disorders in the literature. This variant has been identified in 3/219030 chromosomes in the general population by the Genome Aggregation Database (gnomAD). The available evidence is insufficient to determine the role of this variant in disease conclusively. Therefore, this variant is classified as a Variant of Uncertain Significance.

GeneDx
Classification: Uncertain significance. Last evaluated: 2023-07-06. Review status: criteria provided, single submitter. Criteria: GeneDx Variant Classification Process June 2021. Collection method: clinical testing. Allele origin: germline. Affected: yes.
Comment: Not observed at significant frequency in large population cohorts (gnomAD); In silico analysis supports that this missense variant does not alter protein structure/function; Has not been previously published as pathogenic or benign to our knowledge; This variant is associated with the following publications: (PMID: 17531815, 21120944)

Myriad Genetics, Inc.
Classification: Uncertain significance for Lynch syndrome 5. Last evaluated: 2023-03-29. Review status: criteria provided, single submitter. Criteria: Myriad Autosomal Dominant, Autosomal Recessive and X-Linked Classification Criteria (2023). Collection method: clinical testing. Allele origin: unknown.
Comment: This variant is classified as a variant of uncertain significance as there is insufficient evidence to determine its impact on protein function and/or cancer risk.

Sema4
Classification: Uncertain significance for Hereditary cancer-predisposing syndrome. Last evaluated: 2021-12-28. Review status: criteria provided, single submitter. Criteria: Sema4 Curation Guidelines. Collection method: curation. Allele origin: germline.
Comment: To the best of our knowledge, the MSH6 c.2960C>T (p.T987I) variant has not been reported in individuals with MSH6-related disease. It was observed in 3/102950 chromosomes of the European (non-Finnish) subpopulation in the large and broad cohorts of the Genome Aggregation Database (PMID: 32461654). The variant has been reported in ClinVar (Variation ID 127576). Functional studies have not been performed, and in silico predictions of the variant's effect on protein function are inconclusive. The evidence is insufficient to meet ACMG/AMP criteria for classifying the variant as benign or pathogenic. Thus, the clinical significance of this variant is currently uncertain.

Women's Health and Genetics/Laboratory Corporation of America, LabCorp
Classification: Uncertain significance. Last evaluated: 2021-09-15. Review status: criteria provided, single submitter. Criteria: LabCorp Variant Classification Summary - May 2015. Collection method: clinical testing. Allele origin: germline.
Comment: Variant summary: MSH6 c.2960C>T (p.Thr987Ile) results in a non-conservative amino acid change located in the DNA mismatch repair protein MutS, core domain (IPR007696) of the encoded protein sequence. Four of five in-silico tools predict a benign effect of the variant on protein function. The variant allele was found at a frequency of 1.4e-05 in 219030 control chromosomes (gnomAD). The available data on variant occurrences in the general population are insufficient to allow any conclusion about variant significance. To our knowledge, no occurrence of c.2960C>T in individuals affected with Hereditary Nonpolyposis Colorectal Cancer and no experimental evidence demonstrating its impact on protein function have been reported. Five ClinVar submitters (evaluation after 2014) cite the variant as uncertain significance. Based on the evidence outlined above, the variant was classified as uncertain significance.

Counsyl
Classification: Uncertain significance for Lynch syndrome 5. Last evaluated: 2018-05-08. Review status: no assertion criteria provided. Collection method: clinical testing. Allele origin: unknown. Not counted in ClinVar's aggregate classification.

NM_000179.3(MSH6):c.2960C>T (p.Thr987Ile)

Gene: MSH6 (mutS homolog 6; plus strand). Cytogenetic location: 2p16.3.
Variant type: single nucleotide variant.
Coding change: c.2960C>T on transcript NM_000179.3 (MANE Select); coding-DNA position 2960, C replaced by T.
Protein change: p.Thr987Ile; replaces threonine 987 with isoleucine.
Molecular consequence: missense variant.
Genome position (GRCh38, 1-based): chr2:47,800,943, C>T. VCF-style: chr2-47800943-C-T. GRCh37 (hg19) VCF-style: chr2-48028082-C-T.
Other names: p.T987I:ACT>ATT; c.2570C>T, p.Thr857Ile (NM_001281492.2); c.2054C>T, p.Thr685Ile (NM_001281493.2, NM_001281494.2); short protein forms T987I, T685I, T857I.
Identifiers: ClinVar variation 127576 (VCV000127576.28), dbSNP rs587779928, ClinGen allele CA011210.